The following is an entry in ClinVar:

NM_017534.6(MYH2):c.1859T>C (p.Leu620Pro)

Genes: MYHAS (myosin heavy chain gene cluster antisense RNA; plus strand), MYH2 (myosin heavy chain 2; minus strand). Cytogenetic location: 17p13.1.
Variant type: single nucleotide variant.
Coding change: c.1859T>C on transcript NM_017534.6 (MANE Select); coding-DNA position 1859, T replaced by C.
Protein change: p.Leu620Pro; replaces leucine 620 with proline.
Molecular consequence: missense variant.
Genome position (GRCh38, 1-based): chr17:10,537,271, A>G on the plus strand (T>C on the coding strand, the complement: MYH2 is on the minus strand). VCF-style: chr17-10537271-A-G. GRCh37 (hg19) VCF-style: chr17-10440588-A-G.
Other names: c.1859T>C, p.Leu620Pro (NM_001100112.2); short protein forms L620P.
Identifiers: ClinVar variation 3696317 (VCV003696317.2).

ClinVar aggregate classification (germline): Uncertain significance (1 of 4 stars; one submission).

Conditions:
Myopathy, proximal, and ophthalmoplegia (CMYO6). Also called: CONGENITAL MYOPATHY 6 WITH OPHTHALMOPLEGIA; MYOPATHY WITH CONGENITAL JOINT CONTRACTURES, OPHTHALMOPLEGIA, AND RIMMED VACUOLES; INCLUSION BODY MYOPATHY 3, AUTOSOMAL DOMINANT. Identifiers: Orphanet 363677, Orphanet 79091, MedGen C1854106, MONDO:0011577, OMIM 605637.

gnomAD v4.1: 7 of 1,614,132 alleles (0.00043%); highest among the groups gnomAD compares: Non-Finnish European, 0.00059%; no homozygotes.

Submission:

Labcorp Genetics (formerly Invitae), Labcorp
Classification: Uncertain significance for Myopathy, proximal, and ophthalmoplegia. Last evaluated: 2025-01-17. Review status: criteria provided, single submitter. Criteria: Invitae Variant Classification Sherloc (09022015). Collection method: clinical testing. Allele origin: germline.
Comment: This sequence change replaces leucine, which is neutral and non-polar, with proline, which is neutral and non-polar, at codon 620 of the MYH2 protein (p.Leu620Pro). This variant is not present in population databases (gnomAD no frequency). This variant has not been reported in the literature in individuals affected with MYH2-related conditions. Invitae Evidence Modeling of protein sequence and biophysical properties (such as structural, functional, and spatial information, amino acid conservation, physicochemical variation, residue mobility, and thermodynamic stability) has been performed for this missense variant. However, the output from this modeling did not meet the statistical confidence thresholds required to predict the impact of this variant on MYH2 protein function. In summary, the available evidence is currently insufficient to determine the role of this variant in disease. Therefore, it has been classified as a Variant of Uncertain Significance.